The following is an entry in ClinVar:

NM_000110.4(DPYD):c.257dup (p.Cys87fs)

Gene: DPYD (dihydropyrimidine dehydrogenase; minus strand). Cytogenetic location: 1p21.3.
Variant type: Duplication.
Coding change: c.257dup on transcript NM_000110.4 (MANE Select); coding-DNA position 257, one base duplicated (C; older notation c.257dupC).
Protein change: p.Cys87fs; shifts the reading frame from cysteine 87.
Molecular consequence: frameshift variant.
Genome position (GRCh38, 1-based): chr1:97,740,456, G duplicated on the plus strand (C on the coding strand, the reverse complement: DPYD is on the minus strand); the first of 4 consecutive G bases (chr1:97,740,456-97,740,459); duplicating any one gives the same sequence. VCF-style (leftmost placement, unchanged base first): chr1-97740455-C-CG. GRCh37 (hg19) VCF-style: chr1-98206011-C-CG.
Other names: c.257dup, p.Cys87fs (NM_001160301.1); short protein forms C87fs.
Identifiers: ClinVar variation 5007350 (VCV005007350.2).

ClinVar aggregate classification (germline): Likely pathogenic (1 of 4 stars; one submission).

Conditions:
Dihydropyrimidine dehydrogenase deficiency (DPYDD). Also called: Hereditary Thymine-Uraciluria; DPD DEFICIENCY; DPYD DEFICIENCY. Identifiers: Orphanet 1675, MedGen C1959620, MONDO:0010130, OMIM 274270.

Submission:

Juno Genomics, Hangzhou Juno Genomics, Inc
Classification: Likely pathogenic for Dihydropyrimidine dehydrogenase deficiency. Review status: criteria provided, single submitter. Criteria: ACMG Guidelines, 2015. Collection method: clinical testing. Allele origin: germline.
Comment: Null variant in a gene where loss of function (LOF) is a known mechanism of disease.;Absent from controls (or at extremely low frequency if recessive) in Genome Aggregation Database.